The following is an entry in ClinVar:

ClinVar aggregate classification (germline): Likely pathogenic (1 of 4 stars; one submission).

Conditions:
Bifunctional peroxisomal enzyme deficiency (DBIF). Also called: DBP DEFICIENCY; PBFE DEFICIENCY; D-bifunctional protein deficiency. Identifiers: Orphanet 300, MedGen C0342870, MONDO:0009855, OMIM 261515. Disease mechanism: loss of function.

Submission:

Myriad Genetics, Inc.
Classification: Likely pathogenic for Bifunctional peroxisomal enzyme deficiency. Last evaluated: 2022-02-17. Review status: criteria provided, single submitter. Criteria: Myriad Autosomal Dominant, Autosomal Recessive and X-Linked Classification Criteria (2023). Collection method: clinical testing. Allele origin: unknown.
Comment: NM_000414.3(HSD17B4):c.1496_1497delTT(L499Qfs*18) is expected to be pathogenic in the context of HSD17B4-related disorders. This variant is predicted to lead to an abnormal or absent protein product due to the creation of a premature termination codon in HSD17B4, a gene where loss-of-function variants are known to be pathogenic. Please note: this variant was assessed in the context of healthy population screening.

NM_000414.4(HSD17B4):c.1496_1497del (p.Leu499fs)

Gene: HSD17B4 (hydroxysteroid 17-beta dehydrogenase 4; plus strand). Cytogenetic location: 5q23.1.
Variant type: Deletion.
Coding change: c.1496_1497del on transcript NM_000414.4 (MANE Select); coding-DNA positions 1496 to 1497, 2 bases deleted (TT; older notation c.1496_1497delTT).
Protein change: p.Leu499fs; shifts the reading frame from leucine 499.
Molecular consequence: frameshift variant. On other transcripts: non-coding transcript variant (2).
Genome position (GRCh38, 1-based): chr5:119,515,039-119,515,040, TT deleted. VCF-style (leftmost placement, unchanged base first): chr5-119515038-CTT-C. GRCh37 (hg19) VCF-style: chr5-118850733-CTT-C.
Other names: c.1571_1572del, p.Leu524fs (NM_001199291.3); c.1442_1443del, p.Leu481fs (NM_001199292.2); c.1424_1425del, p.Leu475fs (NM_001292027.2, NM_001374498.1); c.1076_1077del, p.Leu359fs (NM_001292028.2); c.1487_1488del, p.Leu496fs (NM_001374497.1); c.1169_1170del, p.Leu390fs (NM_001374499.1); c.1055_1056del, p.Leu352fs (NM_001374500.1); c.1085_1086del, p.Leu362fs (NM_001374501.1, NM_001374502.1, NM_001374503.1); short protein forms L352fs, L359fs, L362fs, L390fs, L475fs, L481fs, L496fs, L499fs.
Identifiers: ClinVar variation 1724489 (VCV001724489.3), dbSNP rs2531841219, ClinGen allele CA2580072546.